The following is an entry in ClinVar:

ClinVar aggregate classification (germline): Uncertain significance. Review status: criteria provided, multiple submitters, no conflicts (2 of 4 stars). 4 submissions from 4 submitters: Uncertain significance (4). Last evaluated 2024-12-27.

Conditions:
Inborn genetic diseases. Identifiers: MedGen C0950123, MeSH D030342.
Charcot-Marie-Tooth disease type 4. Also called: Charcot-Marie-Tooth, Type 4; Charcot-Marie-Tooth disease, type IV. Identifiers: Orphanet 64749, MedGen C4082197, MONDO:0018995.

Allele frequency attached by ClinVar (database versions not stated): TOPMed 0.00003; gnomAD exomes 0.00004 and 0.00008; gnomAD 0.00005 and 0.00006; ExAC 0.00007.
gnomAD v4.1: 122 of 1,613,894 alleles (0.0076%); highest among the groups gnomAD compares: Non-Finnish European, 0.0095%; no homozygotes.

Submissions (4):

GeneDx
Classification: Uncertain significance. Last evaluated: 2024-12-27. Review status: criteria provided, single submitter. Criteria: GeneDx Variant Classification Process June 2021. Collection method: clinical testing. Allele origin: germline. Affected: yes.
Comment: In silico analysis supports that this missense variant does not alter protein structure/function; Has not been previously published as pathogenic or benign to our knowledge; In silico analysis is inconclusive as to whether the variant alters gene splicing. In the absence of RNA/functional studies, the actual effect of this sequence change is unknown.; This variant is associated with the following publications: (PMID: 22734899)

Ambry Genetics
Classification: Uncertain significance for Inborn genetic diseases. Last evaluated: 2024-07-09. Review status: criteria provided, single submitter. Criteria: Ambry Variant Classification Scheme 2023. Collection method: clinical testing. Allele origin: germline.

Mayo Clinic Laboratories, Mayo Clinic
Classification: Uncertain significance. Last evaluated: 2023-06-15. Review status: criteria provided, single submitter. Criteria: ACMG Guidelines, 2015. Collection method: clinical testing. Allele origin: germline. Observed: 1 variant allele.
Comment: BP4

Labcorp Genetics (formerly Invitae), Labcorp
Classification: Uncertain significance for Charcot-Marie-Tooth disease type 4. Last evaluated: 2022-07-11. Review status: criteria provided, single submitter. Criteria: Invitae Variant Classification Sherloc (09022015). Collection method: clinical testing. Allele origin: germline.
Comment: This sequence change replaces valine, which is neutral and non-polar, with isoleucine, which is neutral and non-polar, at codon 20 of the FGD4 protein (p.Val20Ile). The frequency data for this variant in the population databases is considered unreliable, as metrics indicate poor data quality at this position in the gnomAD database. This variant has not been reported in the literature in individuals affected with FGD4-related conditions. ClinVar contains an entry for this variant (Variation ID: 476944). Algorithms developed to predict the effect of missense changes on protein structure and function output the following: SIFT: "Tolerated"; PolyPhen-2: "Benign"; Align-GVGD: "Class C0". The isoleucine amino acid residue is found in multiple mammalian species, which suggests that this missense change does not adversely affect protein function. Algorithms developed to predict the effect of sequence changes on RNA splicing suggest that this variant may disrupt the consensus splice site. In summary, the available evidence is currently insufficient to determine the role of this variant in disease. Therefore, it has been classified as a Variant of Uncertain Significance.

NM_001370298.3(FGD4):c.469G>A (p.Val157Ile)

Gene: FGD4 (FYVE, RhoGEF and PH domain containing 4; plus strand). Cytogenetic location: 12p11.21.
Variant type: single nucleotide variant.
Coding change: c.469G>A on transcript NM_001370298.3 (MANE Select); coding-DNA position 469, G replaced by A.
Protein change: p.Val157Ile; replaces valine 157 with isoleucine.
Molecular consequence: missense variant. On other transcripts: 5 prime UTR variant (2), intron variant (4).
Genome position (GRCh38, 1-based): chr12:32,576,415, G>A. VCF-style: chr12-32576415-G-A. GRCh37 (hg19) VCF-style: chr12-32729349-G-A.
Other names: p.Val20Ile; c.58G>A (NM_139241.2); c.313G>A, p.Val105Ile (NM_001304481.2); c.-787G>A (NM_001304483.2); c.-1094G>A (NM_001304484.2); c.469G>A, p.Val157Ile (NM_001384126.1); c.58G>A, p.Val20Ile (NM_001384127.1, NM_001384128.1, NM_001384131.1 and 3 more transcripts); c.-187-5545G>A (NM_001330374.2, NM_001330373.2, NM_001384130.1); and 1 more; short protein forms V20I, V105I, V157I.
Identifiers: ClinVar variation 476944 (VCV000476944.10), dbSNP rs755068251, ClinGen allele CA6506563.